The following is an entry in ClinVar:

NM_005301.5(GPR35):c.73G>A (p.Ala25Thr)

Gene: GPR35 (G protein-coupled receptor 35; plus strand). Cytogenetic location: 2q37.3.
Variant type: single nucleotide variant.
Coding change: c.73G>A on transcript NM_005301.5 (MANE Select); coding-DNA position 73, G replaced by A.
Protein change: p.Ala25Thr; replaces alanine 25 with threonine.
Molecular consequence: missense variant.
Genome position (GRCh38, 1-based): chr2:240,630,025, G>A. VCF-style: chr2-240630025-G-A. GRCh37 (hg19) VCF-style: chr2-241569442-G-A.
Other names: c.166G>A, p.Ala56Thr (NM_001195381.3, NM_001195382.3, NM_001394730.1); short protein forms A25T, A56T.
Identifiers: ClinVar variation 777143 (VCV000777143.29), dbSNP rs35146537, ClinGen allele CA2206191.

ClinVar aggregate classification (germline): Benign. Review status: criteria provided, multiple submitters, no conflicts (2 of 4 stars). 3 submissions from 3 submitters: Benign (3). Last evaluated 2026-09-01.

Allele frequency attached by ClinVar (database versions not stated): 1000 Genomes Project 30x 0.00453; 1000 Genomes Project 0.00479; TOPMed 0.00812; ESP Exome Variant Server 0.00907; gnomAD 0.00946 and 0.00966; gnomAD exomes 0.00970 and 0.01305; ExAC 0.00996.
gnomAD v4.1: 20,455 of 1,612,806 alleles (1.3%); highest among the groups gnomAD compares: Non-Finnish European, 1.5%; 163 homozygotes.

Submissions (3):

CeGaT Center for Human Genetics Tuebingen
Classification: Benign. Last evaluated: 2026-09-01. Review status: criteria provided, single submitter. Criteria: CeGaT Center For Human Genetics Tuebingen Variant Classification Criteria Version 2. Collection method: clinical testing. Allele origin: germline. Affected: yes. Observed: 6 variant alleles.
Comment: GPR35: BP4, BS1, BS2

Labcorp Genetics (formerly Invitae), Labcorp
Classification: Benign. Last evaluated: 2019-12-31. Review status: criteria provided, single submitter. Criteria: Invitae Variant Classification Sherloc (09022015). Collection method: clinical testing. Allele origin: germline.

Breakthrough Genomics
Classification: Benign. Review status: criteria provided, single submitter. Criteria: ACMG Guidelines, 2015. Collection method: not provided. Allele origin: germline. Inheritance: Unknown mechanism. Affected: yes.